The following is an entry in ClinVar:

ClinVar aggregate classification (germline): Uncertain significance (1 of 4 stars; one submission).

Conditions:
Disseminated atypical mycobacterial infection. Identifiers: MedGen C0694566.

Submission:

Labcorp Genetics (formerly Invitae), Labcorp
Classification: Uncertain significance for Disseminated atypical mycobacterial infection. Last evaluated: 2022-03-11. Review status: criteria provided, single submitter. Criteria: Invitae Variant Classification Sherloc (09022015). Collection method: clinical testing. Allele origin: germline.
Comment: This sequence change replaces aspartic acid, which is acidic and polar, with glutamic acid, which is acidic and polar, at codon 124 of the IFNGR1 protein (p.Asp124Glu). This variant is not present in population databases (gnomAD no frequency). This variant has not been reported in the literature in individuals affected with IFNGR1-related conditions. Algorithms developed to predict the effect of missense changes on protein structure and function output the following: SIFT: "Tolerated"; PolyPhen-2: "Benign"; Align-GVGD: "Class C0". The glutamic acid amino acid residue is found in multiple mammalian species, which suggests that this missense change does not adversely affect protein function. In summary, the available evidence is currently insufficient to determine the role of this variant in disease. Therefore, it has been classified as a Variant of Uncertain Significance.

NM_000416.3(IFNGR1):c.372T>A (p.Asp124Glu)

Gene: IFNGR1 (interferon gamma receptor 1; minus strand). Cytogenetic location: 6q23.3.
Variant type: single nucleotide variant.
Coding change: c.372T>A on transcript NM_000416.3 (MANE Select); coding-DNA position 372, T replaced by A.
Protein change: p.Asp124Glu; replaces aspartic acid 124 with glutamic acid.
Molecular consequence: missense variant.
Genome position (GRCh38, 1-based): chr6:137,206,137, A>T on the plus strand (T>A on the coding strand, the complement: IFNGR1 is on the minus strand). VCF-style: chr6-137206137-A-T. GRCh37 (hg19) VCF-style: chr6-137527274-A-T.
Other names: c.342T>A, p.Asp114Glu (NM_001363526.1); c.249T>A, p.Asp83Glu (NM_001363527.1); short protein forms D114E, D83E, D124E.
Identifiers: ClinVar variation 1909450 (VCV001909450.5), dbSNP rs1779421514, ClinGen allele CA365775584.
Genomic context (GRCh38, chr6:137,206,137, plus strand): 5'-AGAAGACATGTATAAATATTTTCCAATTTAAAATTTACATGTGTACACATTCTACTCACC[A>T]TCTCGGCATACAGCAAATTCTTCTGACTTTGCATAGGCAGATTCTTTTTGTCCAACCCTG-3'
Protein context (NP_000407.1, residues 114-134): AKSEEFAVCR[Asp124Glu]GKIGPPKLDI